The following is an entry in ClinVar:

NM_015331.3(NCSTN):c.1393G>A (p.Val465Met)

Gene: NCSTN (nicastrin; plus strand). Cytogenetic location: 1q23.2.
Variant type: single nucleotide variant.
Coding change: c.1393G>A on transcript NM_015331.3 (MANE Select); coding-DNA position 1393, G replaced by A.
Protein change: p.Val465Met; replaces valine 465 with methionine.
Molecular consequence: missense variant.
Genome position (GRCh38, 1-based): chr1:160,355,695, G>A. VCF-style: chr1-160355695-G-A. GRCh37 (hg19) VCF-style: chr1-160325485-G-A.
Other names: c.1333G>A, p.Val445Met (NM_001290184.2); c.979G>A, p.Val327Met (NM_001290186.2); c.1393G>A, p.Val465Met (NM_001349729.2); short protein forms V327M, V445M, V465M.
Identifiers: ClinVar variation 1493432 (VCV001493432.7), dbSNP rs200757075, ClinGen allele CA1198994.

ClinVar aggregate classification (germline): Uncertain significance. Review status: criteria provided, multiple submitters, no conflicts (2 of 4 stars). 2 submissions from 2 submitters: Uncertain significance (2). Last evaluated 2025-11-03.

Allele frequency attached by ClinVar (database versions not stated): TOPMed below 0.00001; gnomAD 0.00001; gnomAD exomes 0.00003; ExAC 0.00004.
gnomAD v4.1: 43 of 1,614,104 alleles (0.0027%); highest among the groups gnomAD compares: Non-Finnish European, 0.0034%; no homozygotes.

Submissions (2):

Labcorp Genetics (formerly Invitae), Labcorp
Classification: Uncertain significance. Last evaluated: 2025-11-03. Review status: criteria provided, single submitter. Criteria: Invitae Variant Classification Sherloc (09022015). Collection method: clinical testing. Allele origin: germline.
Comment: This sequence change replaces valine, which is neutral and non-polar, with methionine, which is neutral and non-polar, at codon 465 of the NCSTN protein (p.Val465Met). This variant is present in population databases (rs200757075, gnomAD 0.006%). This variant has not been reported in the literature in individuals affected with NCSTN-related conditions. ClinVar contains an entry for this variant (Variation ID: 1493432). Invitae Evidence Modeling of protein sequence and biophysical properties (such as structural, functional, and spatial information, amino acid conservation, physicochemical variation, residue mobility, and thermodynamic stability) indicates that this missense variant is not expected to disrupt NCSTN protein function with a negative predictive value of 80%. In summary, the available evidence is currently insufficient to determine the role of this variant in disease. Therefore, it has been classified as a Variant of Uncertain Significance.

Institute for Clinical Genetics, University Hospital TU Dresden, University Hospital TU Dresden
Classification: Uncertain significance. Last evaluated: 2022-07-13. Review status: criteria provided, single submitter. Criteria: ACMG Guidelines, 2015. Collection method: clinical testing. Allele origin: germline.